The following is an entry in ClinVar:

NM_198576.4(AGRN):c.5095C>T (p.Arg1699Cys)

Gene: AGRN (agrin; plus strand). Cytogenetic location: 1p36.33.
Variant type: single nucleotide variant.
Coding change: c.5095C>T on transcript NM_198576.4 (MANE Select); coding-DNA position 5095, C replaced by T.
Protein change: p.Arg1699Cys; replaces arginine 1699 with cysteine.
Molecular consequence: missense variant.
Genome position (GRCh38, 1-based): chr1:1,050,545, C>T. VCF-style: chr1-1050545-C-T. GRCh37 (hg19) VCF-style: chr1-985925-C-T.
Other names: c.5095C>T, p.Arg1699Cys (NM_001305275.2); c.4780C>T, p.Arg1594Cys (NM_001364727.2); short protein forms R1699C, R1594C.
Identifiers: ClinVar variation 541191 (VCV000541191.43), dbSNP rs148518738, ClinGen allele CA509849.

ClinVar aggregate classification (germline): Conflicting classifications of pathogenicity. Review status: criteria provided, conflicting classifications (1 of 4 stars). 4 submissions from 4 submitters: Uncertain significance (1); Likely benign (3). Last evaluated 2026-01-14.

Conditions:
Congenital myasthenic syndrome 8. Also called: MYASTHENIC SYNDROME, CONGENITAL, DUE TO AGRIN DEFICIENCY; Myasthenic syndrome, congenital, 8, with pre- and postsynaptic defects. Identifiers: Orphanet 590, MedGen C3808739, MONDO:0014052, OMIM 615120.
Inborn genetic diseases. Identifiers: MedGen C0950123, MeSH D030342.

Allele frequency attached by ClinVar (database versions not stated): ExAC 0.00077; 1000 Genomes Project 0.00080; 1000 Genomes Project 30x 0.00109; gnomAD 0.00241 and 0.00268; gnomAD exomes 0.00027 and 0.00063; TOPMed 0.00254; ESP Exome Variant Server 0.00369.
gnomAD v4.1: 766 of 1,612,598 alleles (0.048%); highest among the groups gnomAD compares: African/African-American, 0.93%; 1 homozygote.

Submissions (4):

Labcorp Genetics (formerly Invitae), Labcorp
Classification: Likely benign for Congenital myasthenic syndrome 8. Last evaluated: 2026-01-14. Review status: criteria provided, single submitter. Criteria: Invitae Variant Classification Sherloc (09022015). Collection method: clinical testing. Allele origin: germline.

Ambry Genetics
Classification: Uncertain significance for Inborn genetic diseases. Last evaluated: 2024-07-27. Review status: criteria provided, single submitter. Criteria: Ambry Variant Classification Scheme 2023. Collection method: clinical testing. Allele origin: germline.

CeGaT Center for Human Genetics Tuebingen
Classification: Likely benign. Last evaluated: 2023-07-01. Review status: criteria provided, single submitter. Criteria: CeGaT Center For Human Genetics Tuebingen Variant Classification Criteria Version 2. Collection method: clinical testing. Allele origin: germline. Affected: yes. Observed: 1 variant allele.
Comment: AGRN: BP4, BS1

GeneDx
Classification: Likely benign. Last evaluated: 2020-06-18. Review status: criteria provided, single submitter. Criteria: GeneDx Variant Classification Process June 2021. Collection method: clinical testing. Allele origin: germline. Affected: yes.